The following is an entry in ClinVar:

ClinVar aggregate classification (germline): Uncertain significance (1 of 4 stars; one submission).

Conditions:
Singleton-Merten syndrome 1 (SGMRT1). Also called: Widened medullary cavities of bone, aortic calcification, abnormal dentition, and muscular weakness; Syndrome of widened medullary cavities of the metacarpals and phalanges, aortic calcification and abnormal dentition. Identifiers: Orphanet 85191, MedGen C4225427, MONDO:0024535, OMIM 182250.
Aicardi-Goutieres syndrome 7 (AGS7). Identifiers: Orphanet 51, MedGen C3888244, MONDO:0014367, OMIM 615846.

Allele frequency attached by ClinVar (database versions not stated): TOPMed below 0.00001; gnomAD 0.00001.
gnomAD v4.1: 12 of 1,613,562 alleles (0.00074%); highest among the groups gnomAD compares: Non-Finnish European, 0.00093%; no homozygotes.

Submission:

Labcorp Genetics (formerly Invitae), Labcorp
Classification: Uncertain significance for Aicardi-Goutieres syndrome 7; Singleton-Merten syndrome 1. Last evaluated: 2024-10-16. Review status: criteria provided, single submitter. Criteria: Invitae Variant Classification Sherloc (09022015). Collection method: clinical testing. Allele origin: germline.
Comment: This sequence change replaces lysine, which is basic and polar, with asparagine, which is neutral and polar, at codon 949 of the IFIH1 protein (p.Lys949Asn). This variant is not present in population databases (gnomAD no frequency). This variant has not been reported in the literature in individuals affected with IFIH1-related conditions. ClinVar contains an entry for this variant (Variation ID: 2180008). An algorithm developed to predict the effect of missense changes on protein structure and function outputs the following: PolyPhen-2: "Benign". The asparagine amino acid residue is found in multiple mammalian species, which suggests that this missense change does not adversely affect protein function. In summary, the available evidence is currently insufficient to determine the role of this variant in disease. Therefore, it has been classified as a Variant of Uncertain Significance.

NM_022168.4(IFIH1):c.2847G>C (p.Lys949Asn)

Gene: IFIH1 (interferon induced with helicase C domain 1; minus strand). Cytogenetic location: 2q24.2.
Variant type: single nucleotide variant.
Coding change: c.2847G>C on transcript NM_022168.4 (MANE Select); coding-DNA position 2847, G replaced by C.
Protein change: p.Lys949Asn; replaces lysine 949 with asparagine.
Molecular consequence: missense variant.
Genome position (GRCh38, 1-based): chr2:162,267,530, C>G on the plus strand (G>C on the coding strand, the complement: IFIH1 is on the minus strand). VCF-style: chr2-162267530-C-G. GRCh37 (hg19) VCF-style: chr2-163124040-C-G.
Other names: short protein forms K949N.
Identifiers: ClinVar variation 2180008 (VCV002180008.4), dbSNP rs77041372, ClinGen allele CA59652452.